The following is an entry in ClinVar:

ClinVar aggregate classification (germline): Benign. Review status: criteria provided, multiple submitters, no conflicts (2 of 4 stars). 14 submissions from 14 submitters: Benign (11). 3 of the submissions do not count toward it. Last evaluated 2026-02-04.

Conditions:
Microcephaly 1, primary, autosomal recessive (MCPH1). Also called: PREMATURE CHROMOSOME CONDENSATION SYNDROME; PCC SYNDROME; PREMATURE CHROMOSOME CONDENSATION WITH MICROCEPHALY AND MENTAL RETARDATION. Identifiers: Orphanet 2512, MedGen C1855081, MONDO:0009617, OMIM 251200.

Allele frequency attached by ClinVar (database versions not stated): gnomAD 0.26146 and 0.26590; ESP Exome Variant Server 0.26489; gnomAD exomes 0.28518 and 0.30651; ExAC 0.29170; 1000 Genomes Project 30x 0.24110; 1000 Genomes Project 0.24361; TOPMed 0.25465.
gnomAD v4.1: 487,560 of 1,612,652 alleles (30%); highest among the groups gnomAD compares: South Asian, 39%; 75,303 homozygotes.

Submissions (14):

Labcorp Genetics (formerly Invitae), Labcorp
Classification: Benign. Last evaluated: 2026-02-04. Review status: criteria provided, single submitter. Criteria: Invitae Variant Classification Sherloc (09022015). Collection method: clinical testing. Allele origin: germline.

Blueprint Genetics
Classification: Benign. Last evaluated: 2024-11-27. Review status: criteria provided, single submitter. Criteria: ACMG Guidelines, 2015. Collection method: clinical testing. Allele origin: germline.

Fulgent Genetics
Classification: Benign for Microcephaly 1, primary, autosomal recessive. Last evaluated: 2021-10-14. Review status: criteria provided, single submitter. Criteria: ACMG Guidelines, 2015. Collection method: clinical testing. Allele origin: unknown.

Genome-Nilou Lab
Classification: Benign for Microcephaly 1, primary, autosomal recessive. Last evaluated: 2021-09-05. Review status: criteria provided, single submitter. Criteria: ACMG Guidelines, 2015. Collection method: clinical testing. Allele origin: germline. Affected: no.

Illumina Laboratory Services, Illumina
Classification: Benign for Microcephaly 1, primary, autosomal recessive. Last evaluated: 2018-01-13. Review status: criteria provided, single submitter. Criteria: ICSL Variant Classification Criteria 13 December 2019. Collection method: clinical testing. Allele origin: germline.
Comment: This variant was observed in the ICSL laboratory as part of a predisposition screen in an ostensibly healthy population. It had not been previously curated by ICSL or reported in the Human Gene Mutation Database (HGMD: prior to June 1st, 2018), and was therefore a candidate for classification through an automated scoring system. Utilizing variant allele frequency, disease prevalence and penetrance estimates, and inheritance mode, an automated score was calculated to assess if this variant is too frequent to cause the disease. Based on the score and internal cut-off values, a variant classified as benign is not then subjected to further curation. The score for this variant resulted in a classification of benign for this disease.

Athena Diagnostics
Classification: Benign. Last evaluated: 2017-08-02. Review status: criteria provided, single submitter. Criteria: Athena Diagnostics Criteria. Collection method: clinical testing. Allele origin: germline.

Clinical Genetics DNA and cytogenetics Diagnostics Lab, Erasmus MC, Erasmus Medical Center
Classification: Benign for Microcephaly 1, primary, autosomal recessive. Last evaluated: 2017-06-28. Review status: criteria provided, single submitter. Criteria: ACGS Guidelines, 2013. Collection method: clinical testing. Allele origin: germline. Affected: yes. Study: VKGL Data-share Consensus.

Eurofins Ntd Llc (ga)
Classification: Benign. Last evaluated: 2015-05-12. Review status: criteria provided, single submitter. Criteria: EGL Classification Definitions 2015. Collection method: clinical testing. Allele origin: germline. Observed: 1 variant allele, 1 heterozygote.

GeneDx
Classification: Benign. Last evaluated: 2015-03-03. Review status: criteria provided, single submitter. Criteria: GeneDx Variant Classification Process June 2021. Collection method: clinical testing. Allele origin: germline. Affected: yes.

Genetic Services Laboratory, University of Chicago
Classification: Benign. Last evaluated: 2013-02-08. Review status: criteria provided, single submitter. Criteria: ACMG Guidelines, 2007. Collection method: clinical testing. Allele origin: germline. Inheritance: Autosomal recessive inheritance.

Breakthrough Genomics
Classification: Benign. Review status: criteria provided, single submitter. Criteria: ACMG Guidelines, 2015. Collection method: not provided. Allele origin: germline. Inheritance: Autosomal recessive inheritance. Affected: yes.

Diagnostic Laboratory, Department of Genetics, University Medical Center Groningen
Classification: Benign for Microcephaly 1, primary, autosomal recessive. Review status: no assertion criteria provided. Collection method: clinical testing. Allele origin: germline. Affected: yes. Study: VKGL Data-share Consensus. Not counted in ClinVar's aggregate classification.

GeneReviews
No classification provided. Condition: Microcephaly 1, primary, autosomal recessive. Review status: no classification provided. Collection method: literature only. Allele origin: unknown. Not counted in ClinVar's aggregate classification.

Joint Genome Diagnostic Labs from Nijmegen and Maastricht, Radboudumc and MUMC+
Classification: Benign. Review status: no assertion criteria provided. Collection method: clinical testing. Allele origin: germline. Affected: yes. Study: VKGL Data-share Consensus. Not counted in ClinVar's aggregate classification.

Literature cited by the submitters: PubMed 20301772 (cited by GeneReviews); NCBI Bookshelf NBK9587 (cited by GeneReviews).

NM_024596.5(MCPH1):c.2482C>T (p.Pro828Ser)

Genes: MCPH1 (microcephalin 1; plus strand), MCPH1-AS1 (MCPH1 antisense RNA 1; minus strand). Cytogenetic location: 8p23.1.
Variant type: single nucleotide variant.
Coding change: c.2482C>T on transcript NM_024596.5 (MANE Select); coding-DNA position 2482, C replaced by T.
Protein change: p.Pro828Ser; replaces proline 828 with serine.
Molecular consequence: missense variant.
Genome position (GRCh38, 1-based): chr8:6,643,023, C>T. VCF-style: chr8-6643023-C-T. GRCh37 (hg19) VCF-style: chr8-6500544-C-T.
Other names: c.2624C>T, p.Pro875Leu (NM_001322042.2); c.2203C>T, p.Pro735Ser (NM_001363980.2); short protein forms P828S, P735S, P875L.
Identifiers: ClinVar variation 21703 (VCV000021703.30), dbSNP rs1057091, ClinGen allele CA172535.